The following is an entry in ClinVar:

NM_004715.5(CTDP1):c.2264T>C (p.Leu755Ser)

Gene: CTDP1 (CTD phosphatase 1; plus strand). Cytogenetic location: 18q23.
Variant type: single nucleotide variant.
Coding change: c.2264T>C on transcript NM_004715.5 (MANE Select); coding-DNA position 2264, T replaced by C.
Protein change: p.Leu755Ser; replaces leucine 755 with serine.
Molecular consequence: missense variant.
Genome position (GRCh38, 1-based): chr18:79,717,863, T>C. VCF-style: chr18-79717863-T-C. GRCh37 (hg19) VCF-style: chr18-77477863-T-C.
Other names: c.1907T>C, p.Leu636Ser (NM_001202504.1); c.2264T>C, p.Leu755Ser (NM_001318511.2, NM_048368.4); short protein forms L755S, L636S.
Identifiers: ClinVar variation 790193 (VCV000790193.15), dbSNP rs34967023, ClinGen allele CA9010538.
Genomic context (GRCh38, chr18:79,717,863, plus strand): 5'-CCGACAGGGAGAACAGCCCTGCGGCCTTTCCCGACCGGGAGGGTGTGCCCCCCACCGCCT[T>C]GTTCCACCCGATGCCGGTTCTTCCCAAGGCCCAGCCTGGCCCCGAGGTTCGGATCTACGA-3'
Protein context (NP_004706.3, residues 745-765): PDREGVPPTA[Leu755Ser]FHPMPVLPKA

ClinVar aggregate classification (germline): Benign. Review status: criteria provided, multiple submitters, no conflicts (2 of 4 stars). 3 submissions from 3 submitters: Benign (3). Last evaluated 2026-02-01.

Allele frequency attached by ClinVar (database versions not stated): gnomAD exomes 0.00041 and 0.00115; ExAC 0.00134; ESP Exome Variant Server 0.00431; gnomAD 0.00458 and 0.00489; TOPMed 0.00475; 1000 Genomes Project 0.00479; 1000 Genomes Project 30x 0.00500.
gnomAD v4.1: 1,318 of 1,613,636 alleles (0.082%); highest among the groups gnomAD compares: African/African-American, 1.5%; 14 homozygotes.

Submissions (3):

Labcorp Genetics (formerly Invitae), Labcorp
Classification: Benign. Last evaluated: 2026-02-01. Review status: criteria provided, single submitter. Criteria: Invitae Variant Classification Sherloc (09022015). Collection method: clinical testing. Allele origin: germline.

CeGaT Center for Human Genetics Tuebingen
Classification: Benign. Last evaluated: 2026-01-01. Review status: criteria provided, single submitter. Criteria: CeGaT Center For Human Genetics Tuebingen Variant Classification Criteria Version 2. Collection method: clinical testing. Allele origin: germline. Affected: yes. Observed: 1 variant allele.
Comment: CTDP1: BP4, BS1, BS2

Breakthrough Genomics
Classification: Benign. Review status: criteria provided, single submitter. Criteria: ACMG Guidelines, 2015. Collection method: not provided. Allele origin: germline. Inheritance: Autosomal recessive inheritance. Affected: yes.